The following is an entry in ClinVar:

NM_000543.5(SMPD1):c.1821T>A (p.Ala607=)

Gene: SMPD1 (sphingomyelin phosphodiesterase 1; plus strand). Cytogenetic location: 11p15.4.
Variant type: single nucleotide variant.
Coding change: c.1821T>A on transcript NM_000543.5 (MANE Select); coding-DNA position 1821, T replaced by A.
Protein change: p.Ala607=; no amino-acid change (alanine 607 retained).
Molecular consequence: synonymous variant. On other transcripts: 3 prime UTR variant (1), non-coding transcript variant (2).
Genome position (GRCh38, 1-based): chr11:6,394,532, T>A. VCF-style: chr11-6394532-T-A. GRCh37 (hg19) VCF-style: chr11-6415762-T-A.
Other names: c.1818T>A, p.Ala606= (NM_001007593.3); c.*314T>A (NM_001318087.2); c.900T>A, p.Ala300= (NM_001318088.2); c.1689T>A, p.Ala563= (NM_001365135.2); c.1821T>A (NM_000543.4).
Identifiers: ClinVar variation 597702 (VCV000597702.10), dbSNP rs1564928040, ClinGen allele CA472910422.

ClinVar aggregate classification (germline): Conflicting classifications of pathogenicity. Review status: criteria provided, conflicting classifications (1 of 4 stars). 3 submissions from 3 submitters: Uncertain significance (1); Likely benign (2). Last evaluated 2025-05-01.

Conditions:
Niemann-Pick disease, type B. Also called: Chronic Visceral ASMD (Niemann-Pick Disease Type B; NPD-B). Identifiers: Orphanet 77293, MedGen C0268243, MONDO:0011871, OMIM 607616. Disease mechanism: loss of function.
Niemann-Pick disease, type A. Also called: Infantile Neurovisceral ASMD (Niemann-Pick Disease Type A; NPD-A); SPHINGOMYELIN LIPIDOSIS; SPHINGOMYELINASE DEFICIENCY. Identifiers: Orphanet 77292, MedGen C0268242, MONDO:0009756, OMIM 257200. Disease mechanism: loss of function.
SMPD1-related disorder. Also called: SMPD1-related condition.

gnomAD v4.1: 1 of 1,610,504 alleles (0.000062%); highest among the groups gnomAD compares: Non-Finnish European, 0.000085%; no homozygotes.

Submissions (3):

PreventionGenetics, part of Exact Sciences
Classification: Likely benign for SMPD1-related condition. Last evaluated: 2025-05-01. Review status: criteria provided, single submitter. Criteria: ACMG Guidelines, 2015. Collection method: clinical testing. Allele origin: germline.
Comment: This variant is classified as likely benign based on ACMG/AMP sequence variant interpretation guidelines (Richards et al. 2015 PMID: 25741868, with internal and published modifications).

Labcorp Genetics (formerly Invitae), Labcorp
Classification: Likely benign for Niemann-Pick disease, type B; Niemann-Pick disease, type A. Last evaluated: 2022-07-18. Review status: criteria provided, single submitter. Criteria: Invitae Variant Classification Sherloc (09022015). Collection method: clinical testing. Allele origin: germline.

Eurofins Ntd Llc (ga)
Classification: Uncertain significance. Last evaluated: 2018-06-22. Review status: criteria provided, single submitter. Criteria: EGL ClinVar v180209 classification definitions. Collection method: clinical testing. Allele origin: germline. Observed: 1 variant allele, 1 heterozygote.